The following is an entry in ClinVar:

ClinVar aggregate classification (germline): Uncertain significance (1 of 4 stars; one submission).

Conditions:
Hereditary cancer-predisposing syndrome. Also called: Tumor predisposition; Neoplastic Syndromes, Hereditary; Hereditary neoplastic syndrome; Hereditary Cancer Syndrome. Identifiers: Orphanet 140162, MedGen C0027672, MeSH D009386, MONDO:0015356.

Submission:

Ambry Genetics
Classification: Uncertain significance for Hereditary cancer-predisposing syndrome. Last evaluated: 2025-08-27. Review status: criteria provided, single submitter. Criteria: Ambry Variant Classification Scheme 2023. Collection method: clinical testing. Allele origin: germline.
Comment: The p.E369D variant (also known as c.1107G>C), located in coding exon 12 of the MUTYH gene, results from a G to C substitution at nucleotide position 1107. The glutamic acid at codon 369 is replaced by aspartic acid, an amino acid with highly similar properties. This amino acid position is conserved. In addition, this alteration is predicted to be tolerated by in silico analysis. Based on the available evidence, the clinical significance of this variant remains unclear.

NM_001048174.2(MUTYH):c.1023G>C (p.Glu341Asp)

Gene: MUTYH (mutY DNA glycosylase; minus strand). Cytogenetic location: 1p34.1.
Variant type: single nucleotide variant.
Coding change: c.1023G>C on transcript NM_001048174.2 (MANE Select); coding-DNA position 1023, G replaced by C.
Protein change: p.Glu341Asp; replaces glutamic acid 341 with aspartic acid.
Molecular consequence: missense variant. On other transcripts: non-coding transcript variant (7).
Genome position (GRCh38, 1-based): chr1:45,331,740, C>G on the plus strand (G>C on the coding strand, the complement: MUTYH is on the minus strand). VCF-style: chr1-45331740-C-G. GRCh37 (hg19) VCF-style: chr1-45797412-C-G.
Other names: c.1023G>C, p.Glu341Asp (NM_001048171.2, NM_001048173.2, NM_001293195.2 and 6 more transcripts); c.1026G>C, p.Glu342Asp (NM_001048172.2, NM_001407086.1, NM_001407071.1 and 1 more transcripts); c.1107G>C, p.Glu369Asp (NM_001128425.2); c.1068G>C, p.Glu356Asp (NM_001293190.2); c.1056G>C, p.Glu352Asp (NM_001293191.2, NM_001407069.1, NM_001407077.1); c.747G>C, p.Glu249Asp (NM_001293192.2, NM_001293196.2, NM_001407091.1); c.984G>C, p.Glu328Asp (NM_001407079.1); c.981G>C, p.Glu327Asp (NM_001407080.1); and 5 more; short protein forms E341D, E348D, E355D, E327D, E352D, E226D, E249D, E328D.
Identifiers: ClinVar variation 4113017 (VCV004113017.1).
Genomic context (GRCh38, chr1:45,331,740, plus strand): 5'-CAGCAGAATTTGGGCCCCAAGGGCCCCAGGCTGTTCCAGAACACAGGTGGCAGAGCTCTC[C>G]TCCCTGGGGGGCTTGCGGCTGGCCTTTCTGGGGAAGTTGACCACTCCCAGGGTCTGGTCC-3'
Protein context (NP_001041639.1, residues 331-351): PRKASRKPPR[Glu341Asp]ESSATCVLEQ